The following is an entry in ClinVar:

ClinVar aggregate classification (germline): Conflicting classifications of pathogenicity. Review status: criteria provided, conflicting classifications (1 of 4 stars). 2 submissions from 2 submitters: Likely pathogenic (1); Uncertain significance (1). Last evaluated 2022-06-05.

Conditions:
Usher syndrome type 2A. Also called: USHER SYNDROME, TYPE IIA; RETINAL DISEASE IN USHER SYNDROME TYPE IIA, MODIFIER OF. Identifiers: Orphanet 231178, Orphanet 886, MedGen C1848634, MONDO:0010169, OMIM 276901.

Submissions (2):

Labcorp Genetics (formerly Invitae), Labcorp
Classification: Uncertain significance. Last evaluated: 2022-06-05. Review status: criteria provided, single submitter. Criteria: Invitae Variant Classification Sherloc (09022015). Collection method: clinical testing. Allele origin: germline.
Comment: In summary, the available evidence is currently insufficient to determine the role of this variant in disease. Therefore, it has been classified as a Variant of Uncertain Significance. Algorithms developed to predict the effect of sequence changes on RNA splicing suggest that this variant may disrupt the consensus splice site. Algorithms developed to predict the effect of missense changes on protein structure and function (SIFT, PolyPhen-2, Align-GVGD) all suggest that this variant is likely to be disruptive. ClinVar contains an entry for this variant (Variation ID: 801615). This variant has not been reported in the literature in individuals affected with USH2A-related conditions. This variant is not present in population databases (gnomAD no frequency). This sequence change replaces glycine, which is neutral and non-polar, with valine, which is neutral and non-polar, at codon 937 of the USH2A protein (p.Gly937Val).

Mendelics
Classification: Likely pathogenic for Usher syndrome type 2A. Last evaluated: 2019-05-28. Review status: criteria provided, single submitter. Criteria: Mendelics Assertion Criteria 2017. Collection method: clinical testing. Allele origin: unknown.

NM_206933.4(USH2A):c.2810G>T (p.Gly937Val)

Genes: USH2A (usherin; minus strand), USH2A-AS1 (USH2A antisense RNA 1; plus strand). Cytogenetic location: 1q41.
Variant type: single nucleotide variant.
Coding change: c.2810G>T on transcript NM_206933.4 (MANE Select); coding-DNA position 2810, G replaced by T.
Protein change: p.Gly937Val; replaces glycine 937 with valine.
Molecular consequence: missense variant.
Genome position (GRCh38, 1-based): chr1:216,232,136, C>A on the plus strand (G>T on the coding strand, the complement: USH2A is on the minus strand). VCF-style: chr1-216232136-C-A. GRCh37 (hg19) VCF-style: chr1-216405478-C-A.
Other names: c.2810G>T, p.Gly937Val (NM_007123.6); short protein forms G937V.
Identifiers: ClinVar variation 801615 (VCV000801615.6), dbSNP rs1572074313, ClinGen allele CA344863450.